The following is an entry in ClinVar:

NM_015046.7(SETX):c.5371G>A (p.Ala1791Thr)

Gene: SETX (senataxin; minus strand). Cytogenetic location: 9q34.13.
Variant type: single nucleotide variant.
Coding change: c.5371G>A on transcript NM_015046.7 (MANE Select); coding-DNA position 5371, G replaced by A.
Protein change: p.Ala1791Thr; replaces alanine 1791 with threonine.
Molecular consequence: missense variant.
Genome position (GRCh38, 1-based): chr9:132,311,760, C>T on the plus strand (G>A on the coding strand, the complement: SETX is on the minus strand). VCF-style: chr9-132311760-C-T. GRCh37 (hg19) VCF-style: chr9-135187147-C-T.
Other names: c.5371G>A, p.Ala1791Thr (NM_001351527.2, NM_001351528.2); short protein forms A1791T.
Identifiers: ClinVar variation 4794594 (VCV004794594.1).

ClinVar aggregate classification (germline): Uncertain significance (1 of 4 stars; one submission).

Conditions:
Spinocerebellar ataxia, autosomal recessive, with axonal neuropathy 2 (SCAN2). Also called: Ataxia-ocular apraxia-2; Ataxia with Oculomotor Apraxia Type 2; Ataxia with Oculomotor Apraxia; ATAXIA-OCULOMOTOR APRAXIA 2. Identifiers: Orphanet 64753, MedGen C1853761, MONDO:0018996, OMIM 606002.
Amyotrophic lateral sclerosis type 4 (ALS4). Also called: NEURONOPATHY, DISTAL HEREDITARY MOTOR, WITH PYRAMIDAL FEATURES; AMYOTROPHIC LATERAL SCLEROSIS 4, JUVENILE. Identifiers: Orphanet 357043, MedGen C1865409, MONDO:0011223, OMIM 602433.

Submission:

Labcorp Genetics (formerly Invitae), Labcorp
Classification: Uncertain significance for Amyotrophic lateral sclerosis type 4; Spinocerebellar ataxia, autosomal recessive, with axonal neuropathy 2. Last evaluated: 2025-03-01. Review status: criteria provided, single submitter. Criteria: Invitae Variant Classification Sherloc (09022015). Collection method: clinical testing. Allele origin: germline.
Comment: This sequence change replaces alanine, which is neutral and non-polar, with threonine, which is neutral and polar, at codon 1791 of the SETX protein (p.Ala1791Thr). This variant is present in population databases (rs372309822, gnomAD 0.0009%). This variant has not been reported in the literature in individuals affected with SETX-related conditions. Invitae Evidence Modeling of protein sequence and biophysical properties (such as structural, functional, and spatial information, amino acid conservation, physicochemical variation, residue mobility, and thermodynamic stability) indicates that this missense variant is not expected to disrupt SETX protein function with a negative predictive value of 95%. In summary, the available evidence is currently insufficient to determine the role of this variant in disease. Therefore, it has been classified as a Variant of Uncertain Significance.